The following is an entry in ClinVar:

NM_001017989.3(OPA3):c.258G>C (p.Glu86Asp)

Genes: OPA3 (outer mitochondrial membrane lipid metabolism regulator OPA3; minus strand), OPA3-RTN2 (OPA3-RTN2 readthrough; minus strand). Cytogenetic location: 19q13.32.
Variant type: single nucleotide variant.
Coding change: c.258G>C on transcript NM_001017989.3; coding-DNA position 258, G replaced by C.
Protein change: p.Glu86Asp; replaces glutamic acid 86 with aspartic acid.
Molecular consequence: missense variant.
Genome position (GRCh38, 1-based): chr19:45,529,341, C>G on the plus strand (G>C on the coding strand, the complement: OPA3 is on the minus strand). VCF-style: chr19-45529341-C-G. GRCh37 (hg19) VCF-style: chr19-46032599-C-G.
Other names: short protein forms E86D.
Identifiers: ClinVar variation 1214649 (VCV001214649.9), dbSNP rs202205093, ClinGen allele CA9517319.

ClinVar aggregate classification (germline): Conflicting classifications of pathogenicity. Review status: criteria provided, conflicting classifications (1 of 4 stars). 3 submissions from 3 submitters: Uncertain significance (2); Likely benign (1). Last evaluated 2024-11-22.

Conditions:
Inborn genetic diseases. Identifiers: MedGen C0950123, MeSH D030342.

Allele frequency attached by ClinVar (database versions not stated): ExAC 0.00013; gnomAD 0.00013 and 0.00014; TOPMed 0.00020; gnomAD exomes 0.00017.
gnomAD v4.1: 131 of 1,614,088 alleles (0.0081%); highest among the groups gnomAD compares: Admixed American, 0.035%; no homozygotes.

Submissions (3):

Blueprint Genetics
Classification: Uncertain significance. Last evaluated: 2024-11-22. Review status: criteria provided, single submitter. Criteria: ACMG Guidelines, 2015. Collection method: clinical testing. Allele origin: germline.

Ambry Genetics
Classification: Likely benign for Inborn genetic diseases. Last evaluated: 2021-10-13. Review status: criteria provided, single submitter. Criteria: Ambry Variant Classification Scheme 2023. Collection method: clinical testing. Allele origin: germline.

GeneDx
Classification: Uncertain significance. Last evaluated: 2020-02-27. Review status: criteria provided, single submitter. Criteria: GeneDx Variant Classification Process June 2021. Collection method: clinical testing. Allele origin: germline. Affected: yes.
Comment: In silico analysis supports that this missense variant has a deleterious effect on protein structure/function; Has not been previously published as pathogenic or benign to our knowledge